The following is an entry in ClinVar:

ClinVar aggregate classification (germline): Uncertain significance (1 of 4 stars; one submission).

Conditions:
DICER1-related tumor predisposition. Also called: DICER1-related pleuropulmonary blastoma cancer predisposition syndrome; DICER1 syndrome. Identifiers: Orphanet 284343, MedGen C3839822, MONDO:0100216.

Submission:

Labcorp Genetics (formerly Invitae), Labcorp
Classification: Uncertain significance for DICER1-related tumor predisposition. Last evaluated: 2024-04-26. Review status: criteria provided, single submitter. Criteria: Invitae Variant Classification Sherloc (09022015). Collection method: clinical testing. Allele origin: germline.
Comment: This sequence change creates a premature translational stop signal (p.Lys1913*) in the DICER1 gene. While this is not anticipated to result in nonsense mediated decay, it is expected to disrupt the last 10 amino acid(s) of the DICER1 protein. This variant is not present in population databases (gnomAD no frequency). This variant has not been reported in the literature in individuals affected with DICER1-related conditions. Experimental studies and prediction algorithms are not available or were not evaluated, and the functional significance of this variant is currently unknown. Algorithms developed to predict the effect of sequence changes on RNA splicing suggest that this variant may disrupt the consensus splice site. In summary, the available evidence is currently insufficient to determine the role of this variant in disease. Therefore, it has been classified as a Variant of Uncertain Significance.

NM_177438.3(DICER1):c.5737A>T (p.Lys1913Ter)

Gene: DICER1 (dicer 1, ribonuclease III; minus strand). Cytogenetic location: 14q32.13.
Variant type: single nucleotide variant.
Coding change: c.5737A>T on transcript NM_177438.3 (MANE Select); coding-DNA position 5737, A replaced by T.
Protein change: p.Lys1913Ter; replaces lysine 1913 with a stop codon.
Molecular consequence: nonsense. On other transcripts: 3 prime UTR variant (1), non-coding transcript variant (6).
Genome position (GRCh38, 1-based): chr14:95,090,530, T>A on the plus strand (A>T on the coding strand, the complement: DICER1 is on the minus strand). VCF-style: chr14-95090530-T-A. GRCh37 (hg19) VCF-style: chr14-95556867-T-A.
Other names: c.*84A>T (NM_001195573.1); c.5737A>T, p.Lys1913Ter (NM_001271282.3, NM_001291628.2, NM_001395677.1 and 7 more transcripts); c.5455A>T, p.Lys1819Ter (NM_001395686.1); c.5332A>T, p.Lys1778Ter (NM_001395687.1, NM_001395688.1, NM_001395689.1 and 1 more transcripts); c.5170A>T, p.Lys1724Ter (NM_001395691.1); c.4054A>T, p.Lys1352Ter (NM_001395697.1); short protein forms K1724*, K1778*, K1913*, K1352*, K1819*.
Identifiers: ClinVar variation 3631493 (VCV003631493.2).